The following is an entry in ClinVar:

NM_001267550.2(TTN):c.40669G>A (p.Val13557Ile)

Gene: TTN (titin; minus strand). Cytogenetic location: 2q31.2.
Variant type: single nucleotide variant.
Coding change: c.40669G>A on transcript NM_001267550.2 (MANE Select); coding-DNA position 40669, G replaced by A.
Protein change: p.Val13557Ile; replaces valine 13557 with isoleucine.
Molecular consequence: missense variant.
Genome position (GRCh38, 1-based): chr2:178,640,595, C>T on the plus strand (G>A on the coding strand, the complement: TTN is on the minus strand). VCF-style: chr2-178640595-C-T. GRCh37 (hg19) VCF-style: chr2-179505322-C-T.
Other names: c.35746G>A, p.Val11916Ile (NM_001256850.1); c.13474G>A, p.Val4492Ile (NM_003319.4); c.32965G>A, p.Val10989Ile (NM_133378.4); c.13849G>A, p.Val4617Ile (NM_133432.3); c.14050G>A, p.Val4684Ile (NM_133437.4); short protein forms V10989I, V11916I, V13557I, V4492I, V4617I, V4684I.
Identifiers: ClinVar variation 928986 (VCV000928986.1), dbSNP rs1170853214, ClinGen allele CA349663894.
Genomic context (GRCh38, chr2:178,640,595, plus strand): 5'-TTGTACCTTTTGTTGGTTCAGGAATCTTCCTTTCCCTTTTTGTAACAGTAGGTACTTCAA[C>T]CTCTTCAACAGGTTTTGGAGGTGGTGGTTCTGGTACTTTAAGATAAGATTATTTTTTCAG-3'
Protein context (NP_001254479.2, residues 13547-13567): EPPPPKPVEE[Val13557Ile]EVPTVTKRER

ClinVar aggregate classification (germline): Uncertain significance (1 of 4 stars; one submission).

Allele frequency attached by ClinVar (database versions not stated): TOPMed 0.00001; gnomAD 0.00001.

Submission:

Women's Health and Genetics/Laboratory Corporation of America, LabCorp
Classification: Uncertain significance. Last evaluated: 2019-11-05. Review status: criteria provided, single submitter. Criteria: LabCorp Variant Classification Summary - May 2015. Collection method: clinical testing. Allele origin: germline.
Comment: Variant summary: TTN c.32965G>A (p.Val10989Ile) results in a conservative amino acid change located in the I-band region of the encoded protein sequence. Five of five in-silico tools predict a benign effect of the variant on protein function. The variant was absent in 228012 control chromosomes. The available data on variant occurrences in the general population are insufficient to allow any conclusion about variant significance. To our knowledge, no occurrence of c.32965G>A in individuals affected with Cardiomyopathy and no experimental evidence demonstrating its impact on protein function have been reported. No clinical diagnostic laboratories have submitted clinical-significance assessments for this variant to ClinVar after 2014. Based on the evidence outlined above, the variant was classified as uncertain significance.